The following is an entry in ClinVar:

ClinVar aggregate classification (germline): Uncertain significance (1 of 4 stars; one submission).

Conditions:
Rubinstein-Taybi syndrome due to CREBBP mutations (RSTS1). Also called: RUBINSTEIN-TAYBI SYNDROME 1, INCOMPLETE; BROAD THUMB-HALLUX SYNDROME; Rubinstein-Taybi syndrome 1; CREBBP-Related Rubinstein-Taybi Syndrome; BROAD THUMBS AND GREAT TOES, CHARACTERISTIC FACIES, AND IMPAIRED INTELLECTUAL DEVELOPMENT; RUBINSTEIN SYNDROME. Identifiers: Orphanet 353277, Orphanet 783, MedGen C4551859, MONDO:0008393, OMIM 180849.

Submission:

Victorian Clinical Genetics Services, Murdoch Childrens Research Institute
Classification: Uncertain significance for Rubinstein-Taybi syndrome due to CREBBP mutations. Last evaluated: 2023-07-17. Review status: criteria provided, single submitter. Criteria: ACMG Guidelines, 2015. Collection method: clinical testing. Allele origin: germline. Inheritance: Autosomal dominant inheritance. Affected: yes.
Comment: Based on the classification scheme VCGS_Germline_v1.3.4, this variant is classified as VUS-3B. Following criteria are met: 0102 - Loss of function is a known mechanism of disease in this gene and is associated with Menke-Hennekam syndrome 1 (MIM#618332) and Rubinstein-Taybi syndrome 1 (MIM#180849). (I) 0107 - This gene is associated with autosomal dominant disease. (I) 0200 - Variant is predicted to result in a missense amino acid change from serine to cysteine. (I) 0251 - This variant is heterozygous. (I) 0301 - Variant is absent from gnomAD (both v2 and v3). (SP) 0309 - Multiple alternative amino acid changes at the same position have been observed in gnomAD (v2, v3) (highest allele count: 3 heterozygotes, 0 homozygotes). (I) 0502 - Missense variant with conflicting in silico predictions and uninformative conservation. (I) 0600 - Variant is located in the annotated Creb binding domain (DECIPHER). (I) 0705 - No comparable missense variants have previous evidence for pathogenicity. (I) 0807 - This variant has no previous evidence of pathogenicity. (I) 0905 - No published segregation evidence has been identified for this variant. (I) 1007 - No published functional evidence has been identified for this variant. (I) 1208 - Inheritance information for this variant is not currently available in this individual. (I) Legend: (SP) - Supporting pathogenic, (I) - Information, (SB) - Supporting benign

NM_004380.3(CREBBP):c.6122C>G (p.Ser2041Cys)

Gene: CREBBP (CREB binding lysine acetyltransferase; minus strand). Cytogenetic location: 16p13.3.
Variant type: single nucleotide variant.
Coding change: c.6122C>G on transcript NM_004380.3 (MANE Select); coding-DNA position 6122, C replaced by G.
Protein change: p.Ser2041Cys; replaces serine 2041 with cysteine.
Molecular consequence: missense variant.
Genome position (GRCh38, 1-based): chr16:3,728,925, G>C on the plus strand (C>G on the coding strand, the complement: CREBBP is on the minus strand). VCF-style: chr16-3728925-G-C. GRCh37 (hg19) VCF-style: chr16-3778926-G-C.
Other names: c.6008C>G, p.Ser2003Cys (NM_001079846.1); short protein forms S2003C, S2041C.
Identifiers: ClinVar variation 3254739 (VCV003254739.1), dbSNP rs2151306003.